The following is an entry in ClinVar:

NM_000151.4(G6PC1):c.408C>A (p.Ser136=)

Gene: G6PC1 (glucose-6-phosphatase catalytic subunit 1; plus strand). Cytogenetic location: 17q21.31.
Variant type: single nucleotide variant.
Coding change: c.408C>A on transcript NM_000151.4 (MANE Select); coding-DNA position 408, C replaced by A.
Protein change: p.Ser136=; no amino-acid change (serine 136 retained).
Molecular consequence: synonymous variant. On other transcripts: intron variant (1).
Genome position (GRCh38, 1-based): chr17:42,907,590, C>A. VCF-style: chr17-42907590-C-A. GRCh37 (hg19) VCF-style: chr17-41059607-C-A.
Other names: c.341-10C>A (NM_001270397.2).
Identifiers: ClinVar variation 4999903 (VCV004999903.1).
Genomic context (GRCh38, chr17:42,907,590, plus strand): 5'-CTCTGGCCATGCCATGGGCACAGCAGGTGTATACTACGTGATGGTCACATCTACTCTTTC[C>A]ATCTTTCAGGGAAAGATAAAGCCGACCTACAGATTTCGGTAAGAACTCACCACTGGGGTG-3'
Protein context (NP_000142.2, residues 126-146): VYYVMVTSTL[Ser136=]IFQGKIKPTY

ClinVar aggregate classification (germline): Likely benign (1 of 4 stars; one submission).

Conditions:
G6PC1-related disorder. Also called: G6PC1-related condition.

Submission:

PreventionGenetics, part of Exact Sciences
Classification: Likely benign for G6PC1-related condition. Last evaluated: 2025-05-15. Review status: criteria provided, single submitter. Criteria: ACMG Guidelines, 2015. Collection method: clinical testing. Allele origin: germline.
Comment: This variant is classified as likely benign based on ACMG/AMP sequence variant interpretation guidelines (Richards et al. 2015 PMID: 25741868, with internal and published modifications).